The following is an entry in ClinVar:

ClinVar aggregate classification (germline): Likely benign. Review status: criteria provided, multiple submitters, no conflicts (2 of 4 stars). 2 submissions from 2 submitters: Likely benign (2). Last evaluated 2024-11-07.

Conditions:
PACS1-related disorder. Also called: PACS1-related condition.

Allele frequency attached by ClinVar (database versions not stated): gnomAD exomes 0.00001; ExAC 0.00002; gnomAD 0.00013 and 0.00016; 1000 Genomes Project 0.00020; 1000 Genomes Project 30x 0.00031; TOPMed 0.00036.
gnomAD v4.1: 32 of 1,566,478 alleles (0.002%); highest among the groups gnomAD compares: Admixed American, 0.039%; no homozygotes.

Submissions (2):

PreventionGenetics, part of Exact Sciences
Classification: Likely benign for PACS1-related condition. Last evaluated: 2024-11-07. Review status: criteria provided, single submitter. Criteria: ACMG Guidelines, 2015. Collection method: clinical testing. Allele origin: germline.
Comment: This variant is classified as likely benign based on ACMG/AMP sequence variant interpretation guidelines (Richards et al. 2015 PMID: 25741868, with internal and published modifications).

GeneDx
Classification: Likely benign. Last evaluated: 2020-07-13. Review status: criteria provided, single submitter. Criteria: GeneDx Variant Classification Process June 2021. Collection method: clinical testing. Allele origin: germline. Affected: yes.

NM_018026.4(PACS1):c.246G>A (p.Ser82=)

Genes: PACS1 (phosphofurin acidic cluster sorting protein 1; plus strand), LOC130006099 (ATAC-STARR-seq lymphoblastoid silent region 3575; plus strand). Cytogenetic location: 11q13.1.
Variant type: single nucleotide variant.
Coding change: c.246G>A on transcript NM_018026.4 (MANE Select); coding-DNA position 246, G replaced by A.
Protein change: p.Ser82=; no amino-acid change (serine 82 retained).
Molecular consequence: synonymous variant.
Genome position (GRCh38, 1-based): chr11:66,070,732, G>A. VCF-style: chr11-66070732-G-A. GRCh37 (hg19) VCF-style: chr11-65838203-G-A.
Identifiers: ClinVar variation 1191816 (VCV001191816.3), dbSNP rs563612549, ClinGen allele CA6116191.